The following is an entry in ClinVar:

ClinVar aggregate classification (germline): Likely benign. Review status: criteria provided, multiple submitters, no conflicts (2 of 4 stars). 2 submissions from 2 submitters: Likely benign (2). Last evaluated 2024-02-02.

Conditions:
Fanconi anemia (FA). Also called: Fanconi's anemia. Identifiers: Orphanet 84, MedGen C0015625, MeSH D005199, MONDO:0019391.

gnomAD v4.1: 2 of 1,430,134 alleles (0.00014%); highest among the groups gnomAD compares: Non-Finnish European, 0.0002%; no homozygotes.

Submissions (2):

Labcorp Genetics (formerly Invitae), Labcorp
Classification: Likely benign for Fanconi anemia. Last evaluated: 2024-02-02. Review status: criteria provided, single submitter. Criteria: Invitae Variant Classification Sherloc (09022015). Collection method: clinical testing. Allele origin: germline.

GeneDx
Classification: Likely benign. Last evaluated: 2017-03-14. Review status: criteria provided, single submitter. Criteria: GeneDx Variant Classification (06012015). Collection method: clinical testing. Allele origin: germline. Affected: yes.
Comment: This variant is considered likely benign or benign based on one or more of the following criteria: it is a conservative change, it occurs at a poorly conserved position in the protein, it is predicted to be benign by multiple in silico algorithms, and/or has population frequency not consistent with disease.

NM_000136.3(FANCC):c.456+20C>T

Gene: FANCC (FA complementation group C; minus strand). Cytogenetic location: 9q22.32.
Variant type: single nucleotide variant.
Coding change: c.456+20C>T on transcript NM_000136.3 (MANE Select); 20 bases into the intron after coding-DNA position 456, C replaced by T.
Molecular consequence: intron variant.
Genome position (GRCh38, 1-based): chr9:95,172,017, G>A on the plus strand (C>T on the coding strand, the complement: FANCC is on the minus strand). VCF-style: chr9-95172017-G-A. GRCh37 (hg19) VCF-style: chr9-97934299-G-A.
Other names: c.456+20C>T (NM_001243743.2, NM_001243744.2).
Identifiers: ClinVar variation 377839 (VCV000377839.4), dbSNP rs1057520283, ClinGen allele CA16606600.
Genomic context (GRCh38, chr9:95,172,017, plus strand): 5'-GAAATATTTCCATTTACTCTTTTTGCTGATGGCACATTCAGCATTAAACATTTCAAAAGT[G>A]ATAAATTTTAAATACTCACATTTTTAAGCAAACCAGGATAGTAATCTATAGGTGCATACC-3'